The following is an entry in ClinVar:

NM_000501.4(ELN):c.197T>C (p.Val66Ala)

Gene: ELN (elastin; plus strand). Cytogenetic location: 7q11.23.
Variant type: single nucleotide variant.
Coding change: c.197T>C on transcript NM_000501.4 (MANE Select); coding-DNA position 197, T replaced by C.
Protein change: p.Val66Ala; replaces valine 66 with alanine.
Molecular consequence: missense variant. On other transcripts: intron variant (1).
Genome position (GRCh38, 1-based): chr7:74,041,216, T>C. VCF-style: chr7-74041216-T-C. GRCh37 (hg19) VCF-style: chr7-73455546-T-C.
Other names: c.167T>C, p.Val56Ala (NM_001081752.3, NM_001278914.2, NM_001278917.2 and 1 more transcripts); c.197T>C, p.Val66Ala (NM_001081753.3, NM_001081754.3, NM_001081755.3 and 4 more transcripts); c.197-1398T>C (NM_001278913.2); short protein forms V56A, V66A.
Identifiers: ClinVar variation 2717829 (VCV002717829.3), dbSNP rs1005603513, ClinGen allele CA160125816.

ClinVar aggregate classification (germline): Uncertain significance (1 of 4 stars; one submission).

Conditions:
Supravalvar aortic stenosis (SVAS). Also called: Supravalvar aortic stenosis, Eisenberg type. Identifiers: Orphanet 3193, MedGen C0003499, MONDO:0008504, OMIM 185500, HP:0004381.

Allele frequency attached by ClinVar (database versions not stated): gnomAD exomes below 0.00001; TOPMed below 0.00001; gnomAD 0.00001.
gnomAD v4.1: 8 of 1,613,636 alleles (0.0005%); highest among the groups gnomAD compares: East Asian, 0.0022%; no homozygotes.

Submission:

Labcorp Genetics (formerly Invitae), Labcorp
Classification: Uncertain significance for Supravalvar aortic stenosis. Last evaluated: 2025-02-25. Review status: criteria provided, single submitter. Criteria: Invitae Variant Classification Sherloc (09022015). Collection method: clinical testing. Allele origin: germline.
Comment: This sequence change replaces valine, which is neutral and non-polar, with alanine, which is neutral and non-polar, at codon 66 of the ELN protein (p.Val66Ala). This variant is not present in population databases (gnomAD no frequency). This variant has not been reported in the literature in individuals affected with ELN-related conditions. ClinVar contains an entry for this variant (Variation ID: 2717829). Experimental studies and prediction algorithms are not available or were not evaluated, and the functional significance of this variant is currently unknown. In summary, the available evidence is currently insufficient to determine the role of this variant in disease. Therefore, it has been classified as a Variant of Uncertain Significance.